The following is an entry in ClinVar:

ClinVar aggregate classification (germline): Uncertain significance. Review status: criteria provided, multiple submitters, no conflicts (2 of 4 stars). 2 submissions from 2 submitters: Uncertain significance (2). Last evaluated 2026-02-11.

Conditions:
Predisposition to Wilms tumor.

Allele frequency attached by ClinVar (database versions not stated): gnomAD exomes 0.00001; ExAC 0.00002; TOPMed 0.00001.
gnomAD v4.1: 7 of 1,613,918 alleles (0.00043%); highest among the groups gnomAD compares: Admixed American, 0.012%; no homozygotes.

Submissions (2):

St. Jude Molecular Pathology, St. Jude Children's Research Hospital
Classification: Uncertain significance for Predisposition to Wilms tumor. Last evaluated: 2026-02-11. Review status: criteria provided, single submitter. Criteria: St. Jude Assertion Criteria 2020. Collection method: clinical testing. Allele origin: germline.
Comment: The TRIM28 c.2204G>C p.(Gly735Ala) missense change has a maximum subpopulation frequency of 0.02% in gnomAD v2.1.1. The in silico tool REVEL predicts a benign effect on protein function, but to our knowledge this prediction has not been confirmed by functional studies. To our knowledge, this variant has not been reported in individuals with Wilms tumor. In summary, the evidence currently available is insufficient to determine the clinical significance of this variant. It has therefore been classified as of uncertain significance.

Ambry Genetics
Classification: Uncertain significance. Last evaluated: 2021-09-16. Review status: criteria provided, single submitter. Criteria: Ambry Variant Classification Scheme 2023. Collection method: clinical testing. Allele origin: germline.

NM_005762.3(TRIM28):c.2204G>C (p.Gly735Ala)

Gene: TRIM28 (tripartite motif containing 28; plus strand). Cytogenetic location: 19q13.43.
Variant type: single nucleotide variant.
Coding change: c.2204G>C on transcript NM_005762.3 (MANE Select); coding-DNA position 2204, G replaced by C.
Protein change: p.Gly735Ala; replaces glycine 735 with alanine.
Molecular consequence: missense variant.
Genome position (GRCh38, 1-based): chr19:58,550,157, G>C. VCF-style: chr19-58550157-G-C. GRCh37 (hg19) VCF-style: chr19-59061524-G-C.
Other names: short protein forms G735A.
Identifiers: ClinVar variation 2221135 (VCV002221135.3), dbSNP rs375606682, ClinGen allele CA9719547.